The following is an entry in ClinVar:

ClinVar aggregate classification (germline): Uncertain significance (1 of 4 stars; one submission).

Submission:

Labcorp Genetics (formerly Invitae), Labcorp
Classification: Uncertain significance. Last evaluated: 2024-12-05. Review status: criteria provided, single submitter. Criteria: Invitae Variant Classification Sherloc (09022015). Collection method: clinical testing. Allele origin: germline.
Comment: This sequence change replaces glutamic acid, which is acidic and polar, with lysine, which is basic and polar, at codon 106 of the CYFIP2 protein (p.Glu106Lys). This variant is not present in population databases (gnomAD no frequency). This variant has not been reported in the literature in individuals affected with CYFIP2-related conditions. Experimental studies and prediction algorithms are not available or were not evaluated, and the functional significance of this variant is currently unknown. In summary, the available evidence is currently insufficient to determine the role of this variant in disease. Therefore, it has been classified as a Variant of Uncertain Significance.

NM_001037333.3(CYFIP2):c.316G>A (p.Glu106Lys)

Gene: CYFIP2 (cytoplasmic FMR1 interacting protein 2; plus strand). Cytogenetic location: 5q33.3.
Variant type: single nucleotide variant.
Coding change: c.316G>A on transcript NM_001037333.3 (MANE Select); coding-DNA position 316, G replaced by A.
Protein change: p.Glu106Lys; replaces glutamic acid 106 with lysine.
Molecular consequence: missense variant.
Genome position (GRCh38, 1-based): chr5:157,296,703, G>A. VCF-style: chr5-157296703-G-A. GRCh37 (hg19) VCF-style: chr5-156723711-G-A.
Other names: c.238G>A, p.Glu80Lys (NM_001291721.2); c.316G>A, p.Glu106Lys (NM_001291722.2, NM_014376.4); short protein forms E106K, E80K.
Identifiers: ClinVar variation 3726682 (VCV003726682.2).